The following is an entry in ClinVar:

NM_001174096.2(ZEB1):c.2419A>G (p.Thr807Ala)

Gene: ZEB1 (zinc finger E-box binding homeobox 1; plus strand). Cytogenetic location: 10p11.22.
Variant type: single nucleotide variant.
Coding change: c.2419A>G on transcript NM_001174096.2 (MANE Select); coding-DNA position 2419, A replaced by G.
Protein change: p.Thr807Ala; replaces threonine 807 with alanine.
Molecular consequence: missense variant.
Genome position (GRCh38, 1-based): chr10:31,521,751, A>G. VCF-style: chr10-31521751-A-G. GRCh37 (hg19) VCF-style: chr10-31810679-A-G.
Other names: c.1762A>G, p.Thr588Ala (NM_001323638.2, NM_001323641.2, NM_001323642.2 and 27 more transcripts); c.2416A>G, p.Thr806Ala (NM_030751.6); c.2194A>G, p.Thr732Ala (NM_001323674.2); c.2152A>G, p.Thr718Ala (NM_001323675.2); c.2377A>G, p.Thr793Ala (NM_001323676.2); c.2374A>G, p.Thr792Ala (NM_001323677.2); c.2143A>G, p.Thr715Ala (NM_001323678.2); c.2368A>G, p.Thr790Ala (NM_001128128.3); and 3 more; short protein forms T718A, T739A, T588A, T792A, T793A, T806A, T789A, T790A.
Identifiers: ClinVar variation 715880 (VCV000715880.32), dbSNP rs141194628, ClinGen allele CA5461782.

ClinVar aggregate classification (germline): Benign/Likely benign. Review status: criteria provided, multiple submitters, no conflicts (2 of 4 stars). 4 submissions from 4 submitters: Benign (2); Likely benign (2). Last evaluated 2025-12-29.

Allele frequency attached by ClinVar (database versions not stated): 1000 Genomes Project 0.00120; 1000 Genomes Project 30x 0.00141; ESP Exome Variant Server 0.00161; gnomAD 0.00172 and 0.00178; TOPMed 0.00192; gnomAD exomes 0.00208 and 0.00225; ExAC 0.00251.
gnomAD v4.1: 3,311 of 1,614,100 alleles (0.21%); highest among the groups gnomAD compares: Middle Eastern, 0.41%; 7 homozygotes.

Submissions (4):

Labcorp Genetics (formerly Invitae), Labcorp
Classification: Benign. Last evaluated: 2025-12-29. Review status: criteria provided, single submitter. Criteria: Invitae Variant Classification Sherloc (09022015). Collection method: clinical testing. Allele origin: germline.

CeGaT Center for Human Genetics Tuebingen
Classification: Likely benign. Last evaluated: 2025-03-01. Review status: criteria provided, single submitter. Criteria: CeGaT Center For Human Genetics Tuebingen Variant Classification Criteria Version 2. Collection method: clinical testing. Allele origin: germline. Affected: yes. Observed: 2 variant alleles.
Comment: ZEB1: BP4, BS1

Blueprint Genetics
Classification: Likely benign. Last evaluated: 2024-11-27. Review status: criteria provided, single submitter. Criteria: ACMG Guidelines, 2015. Collection method: clinical testing. Allele origin: germline.

Breakthrough Genomics
Classification: Benign. Review status: criteria provided, single submitter. Criteria: ACMG Guidelines, 2015. Collection method: not provided. Allele origin: germline. Inheritance: Unknown mechanism. Affected: yes.